The following is an entry in ClinVar:

NM_000944.5(PPP3CA):c.1470G>A (p.Met490Ile)

Gene: PPP3CA (protein phosphatase 3 catalytic subunit alpha; minus strand). Cytogenetic location: 4q24.
Variant type: single nucleotide variant.
Coding change: c.1470G>A on transcript NM_000944.5 (MANE Select); coding-DNA position 1470, G replaced by A.
Protein change: p.Met490Ile; replaces methionine 490 with isoleucine.
Molecular consequence: missense variant.
Genome position (GRCh38, 1-based): chr4:101,025,961, C>T on the plus strand (G>A on the coding strand, the complement: PPP3CA is on the minus strand). VCF-style: chr4-101025961-C-T. GRCh37 (hg19) VCF-style: chr4-101947118-C-T.
Other names: c.1440G>A, p.Met480Ile (NM_001130691.2); c.1314G>A, p.Met438Ile (NM_001130692.2); short protein forms M438I, M490I, M480I.
Identifiers: ClinVar variation 3665733 (VCV003665733.2).
Genomic context (GRCh38, chr4:101,025,961, plus strand): 5'-CGTGCCGTTAGTCTCTGAGGTGAGAGCCTTGTTGATGGAGTTAAGGTTGGCGTCAGAGGG[C>T]ATGGCATCTCTGCGAGGCGGCATCCTCTCATTAATTCGGTCTAAGCCCTTGGCTTCCTCG-3'
Protein context (NP_000935.1, residues 480-500): NERMPPRRDA[Met490Ile]PSDANLNSIN

ClinVar aggregate classification (germline): Uncertain significance (1 of 4 stars; one submission).

gnomAD v4.1: 1 of 1,613,486 alleles (0.000062%); highest among the groups gnomAD compares: Non-Finnish European, 0.000085%; no homozygotes.

Submission:

Labcorp Genetics (formerly Invitae), Labcorp
Classification: Uncertain significance. Last evaluated: 2025-07-07. Review status: criteria provided, single submitter. Criteria: Invitae Variant Classification Sherloc (09022015). Collection method: clinical testing. Allele origin: germline.
Comment: This sequence change replaces methionine, which is neutral and non-polar, with isoleucine, which is neutral and non-polar, at codon 490 of the PPP3CA protein (p.Met490Ile). This variant is not present in population databases (gnomAD no frequency). This variant has not been reported in the literature in individuals affected with PPP3CA-related conditions. ClinVar contains an entry for this variant (Variation ID: 3665733). Invitae Evidence Modeling of protein sequence and biophysical properties (such as structural, functional, and spatial information, amino acid conservation, physicochemical variation, residue mobility, and thermodynamic stability) indicates that this missense variant is not expected to disrupt PPP3CA protein function with a negative predictive value of 80%. In summary, the available evidence is currently insufficient to determine the role of this variant in disease. Therefore, it has been classified as a Variant of Uncertain Significance.